The following is an entry in ClinVar:

NM_130839.5(UBE3A):c.2355-3T>C

Genes: SNHG14 (small nucleolar RNA host gene 14; plus strand), UBE3A (ubiquitin protein ligase E3A; minus strand). Cytogenetic location: 15q11.2.
Variant type: single nucleotide variant.
Coding change: c.2355-3T>C on transcript NM_130839.5 (MANE Select); 3 bases into the intron before coding-DNA position 2355, T replaced by C.
Molecular consequence: intron variant.
Genome position (GRCh38, 1-based): chr15:25,340,231, A>G on the plus strand (T>C on the coding strand, the complement: UBE3A is on the minus strand). VCF-style: chr15-25340231-A-G. GRCh37 (hg19) VCF-style: chr15-25585378-A-G.
Other names: c.2295-3T>C (NM_001354541.2, NM_001354509.2, NM_001354540.2 and 14 more transcripts); c.2355-3T>C (NM_001354538.2, NM_001354505.1); c.2364-3T>C (NM_000462.5); c.2178-3T>C (NM_001354546.2); c.1044-3T>C (NM_001354551.2); c.2130-3T>C (NM_001354549.2); c.2139-3T>C (NM_001354548.2, NM_001354547.2); c.1104-3T>C (NM_001354550.2); and 1 more.
Identifiers: ClinVar variation 934151 (VCV000934151.9), dbSNP rs2074512326, ClinGen allele CA1139663780.

ClinVar aggregate classification (germline): Uncertain significance (1 of 4 stars; one submission).

Conditions:
Angelman syndrome (AS). Also called: HAPPY PUPPET SYNDROME. Identifiers: Orphanet 72, MedGen C0162635, MONDO:0007113, OMIM 105830. Disease mechanism: loss of function. Inheritance: AS is caused by disruption of maternally imprinted UBE3A located within the 15q11.2-q13 Angelman syndrome/Prader-Willi syndrome (AS/PWS) region., imprinting disorder.

Allele frequency attached by ClinVar (database versions not stated): gnomAD exomes below 0.00001.
gnomAD v4.1: 1 of 1,612,234 alleles (0.000062%); highest among the groups gnomAD compares: Middle Eastern, 0.016%; no homozygotes.

Submission:

Labcorp Genetics (formerly Invitae), Labcorp
Classification: Uncertain significance for Angelman syndrome. Last evaluated: 2022-02-03. Review status: criteria provided, single submitter. Criteria: Invitae Variant Classification Sherloc (09022015). Collection method: clinical testing. Allele origin: germline.
Comment: This variant is not present in population databases (gnomAD no frequency). This sequence change falls in intron 8 of the UBE3A gene. It does not directly change the encoded amino acid sequence of the UBE3A protein. It affects a nucleotide within the consensus splice site. This variant has not been reported in the literature in individuals affected with UBE3A-related conditions. In summary, the available evidence is currently insufficient to determine the role of this variant in disease. Therefore, it has been classified as a Variant of Uncertain Significance. Variants that disrupt the consensus splice site are a relatively common cause of aberrant splicing (PMID: 17576681, 9536098). Algorithms developed to predict the effect of sequence changes on RNA splicing suggest that this variant is not likely to affect RNA splicing. ClinVar contains an entry for this variant (Variation ID: 934151).

Literature cited by the submitters: PubMed 17576681; PubMed 9536098.